The following is an entry in ClinVar:

NM_001130823.3(DNMT1):c.4293+5T>C

Gene: DNMT1 (DNA methyltransferase 1; minus strand). Cytogenetic location: 19p13.2.
Variant type: single nucleotide variant.
Coding change: c.4293+5T>C on transcript NM_001130823.3 (MANE Select); 5 bases into the intron after coding-DNA position 4293, T replaced by C.
Molecular consequence: intron variant.
Genome position (GRCh38, 1-based): chr19:10,137,827, A>G on the plus strand (T>C on the coding strand, the complement: DNMT1 is on the minus strand). VCF-style: chr19-10137827-A-G. GRCh37 (hg19) VCF-style: chr19-10248503-A-G.
Other names: c.4293+5T>C (NM_001130823.2, LRG_362t1); c.3930+5T>C (NM_001318731.2); c.4245+5T>C (NM_001379.4, NM_001318730.2, NM_001379.2).
Identifiers: ClinVar variation 472275 (VCV000472275.10), dbSNP rs199506146, ClinGen allele CA9187554.

ClinVar aggregate classification (germline): Conflicting classifications of pathogenicity. Review status: criteria provided, conflicting classifications (1 of 4 stars). 3 submissions from 3 submitters: Uncertain significance (1); Likely benign (2). Last evaluated 2026-02-02.

Conditions:
DNMT1-related disorder. Also called: DNMT1-related condition. Identifiers: MedGen CN381527.
Inborn genetic diseases. Identifiers: MedGen C0950123, MeSH D030342.
Hereditary sensory neuropathy-deafness-dementia syndrome. Also called: Hereditary Sensory and Autonomic Neuropathy Type 1E (HSAN1E); HSN IE; Hereditary sensory neuropathy type IE; NEUROPATHY, HEREDITARY SENSORY, WITH HEARING LOSS AND DEMENTIA. Identifiers: Orphanet 456318, MedGen C3279885, MONDO:0013584, OMIM 614116.

Allele frequency attached by ClinVar (database versions not stated): gnomAD 0.00021; TOPMed 0.00025; 1000 Genomes Project 0.00040; 1000 Genomes Project 30x 0.00047; ESP Exome Variant Server 0.00054; gnomAD exomes 0.00002 and 0.00004; ExAC 0.00007.
gnomAD v4.1: 56 of 1,612,548 alleles (0.0035%); highest among the groups gnomAD compares: African/African-American, 0.069%; no homozygotes.

Submissions (3):

PreventionGenetics, part of Exact Sciences
Classification: Likely benign for DNMT1-related condition. Last evaluated: 2026-02-02. Review status: criteria provided, single submitter. Criteria: ACMG Guidelines, 2015. Collection method: clinical testing. Allele origin: germline.
Comment: This variant is classified as likely benign based on ACMG/AMP sequence variant interpretation guidelines (Richards et al. 2015 PMID: 25741868, with internal and published modifications).

Labcorp Genetics (formerly Invitae), Labcorp
Classification: Uncertain significance for Hereditary sensory neuropathy-deafness-dementia syndrome. Last evaluated: 2024-09-04. Review status: criteria provided, single submitter. Criteria: Invitae Variant Classification Sherloc (09022015). Collection method: clinical testing. Allele origin: germline.
Comment: This sequence change falls in intron 36 of the DNMT1 gene. It does not directly change the encoded amino acid sequence of the DNMT1 protein. It affects a nucleotide within the consensus splice site. This variant is present in population databases (rs199506146, gnomAD 0.07%), and has an allele count higher than expected for a pathogenic variant. This variant has not been reported in the literature in individuals affected with DNMT1-related conditions. ClinVar contains an entry for this variant (Variation ID: 472275). Variants that disrupt the consensus splice site are a relatively common cause of aberrant splicing (PMID: 17576681, 9536098). Algorithms developed to predict the effect of sequence changes on RNA splicing suggest that this variant is not likely to affect RNA splicing. In summary, the available evidence is currently insufficient to determine the role of this variant in disease. Therefore, it has been classified as a Variant of Uncertain Significance.

Ambry Genetics
Classification: Likely benign for Inborn genetic diseases. Last evaluated: 2023-03-13. Review status: criteria provided, single submitter. Criteria: Ambry Variant Classification Scheme 2023. Collection method: clinical testing. Allele origin: germline.

Literature cited by the submitters: PubMed 17576681 (cited by Labcorp Genetics (formerly Invitae), Labcorp); PubMed 9536098 (cited by Labcorp Genetics (formerly Invitae), Labcorp).